The following is an entry in ClinVar:

ClinVar aggregate classification (germline): Uncertain significance (1 of 4 stars; one submission).

Allele frequency attached by ClinVar (database versions not stated): ExAC 0.00001; gnomAD exomes 0.00001; TOPMed 0.00001.
gnomAD v4.1: 16 of 1,613,846 alleles (0.00099%); highest among the groups gnomAD compares: African/African-American, 0.0053%; no homozygotes.

Submission:

Labcorp Genetics (formerly Invitae), Labcorp
Classification: Uncertain significance. Last evaluated: 2024-11-26. Review status: criteria provided, single submitter. Criteria: Invitae Variant Classification Sherloc (09022015). Collection method: clinical testing. Allele origin: germline.
Comment: This sequence change replaces arginine, which is basic and polar, with tryptophan, which is neutral and slightly polar, at codon 1133 of the TAOK2 protein (p.Arg1133Trp). This variant is present in population databases (rs772447624, gnomAD 0.007%). This variant has not been reported in the literature in individuals affected with TAOK2-related conditions. ClinVar contains an entry for this variant (Variation ID: 1904110). An algorithm developed to predict the effect of missense changes on protein structure and function (PolyPhen-2) suggests that this variant is likely to be disruptive. In summary, the available evidence is currently insufficient to determine the role of this variant in disease. Therefore, it has been classified as a Variant of Uncertain Significance.

NM_016151.4(TAOK2):c.3397C>T (p.Arg1133Trp)

Gene: TAOK2 (TAO kinase 2; plus strand). Cytogenetic location: 16p11.2.
Variant type: single nucleotide variant.
Coding change: c.3397C>T on transcript NM_016151.4 (MANE Select); coding-DNA position 3397, C replaced by T.
Protein change: p.Arg1133Trp; replaces arginine 1133 with tryptophan.
Molecular consequence: missense variant. On other transcripts: intron variant (1).
Genome position (GRCh38, 1-based): chr16:29,987,669, C>T. VCF-style: chr16-29987669-C-T. GRCh37 (hg19) VCF-style: chr16-29998990-C-T.
Other names: c.3058C>T, p.Arg1020Trp (NM_001252043.2); c.2232+1165C>T (NM_004783.4); short protein forms R1133W, R1020W.
Identifiers: ClinVar variation 1904110 (VCV001904110.5), dbSNP rs772447624, ClinGen allele CA7998562.